The following is an entry in ClinVar:

NM_198252.3(GSN):c.1191+1G>T

Gene: GSN (gelsolin; plus strand). Cytogenetic location: 9q33.2.
Variant type: single nucleotide variant.
Coding change: c.1191+1G>T on transcript NM_198252.3 (MANE Select); the canonical splice donor site of the intron after coding-DNA position 1191, G replaced by T.
Molecular consequence: splice donor variant.
Genome position (GRCh38, 1-based): chr9:121,318,881, G>T. VCF-style: chr9-121318881-G-T. GRCh37 (hg19) VCF-style: chr9-124081159-G-T.
Other names: c.1191+1G>T (NM_001353054.1, NM_001353053.1, NM_001353060.2 and 10 more transcripts); c.1224+1G>T (NM_001353064.2, NM_001353066.2, NM_001353073.2 and 13 more transcripts); c.1299+1G>T (NM_001127663.2); c.1263+1G>T (NM_001353076.2); c.537+1G>T (NM_001353078.2); c.1242+1G>T (NM_001258029.2); c.1215+1G>T (NM_001258030.2); c.1344+1G>T (NM_000177.5).
Identifiers: ClinVar variation 1904936 (VCV001904936.5), dbSNP rs113048496, ClinGen allele CA5221163.

ClinVar aggregate classification (germline): Uncertain significance (1 of 4 stars; one submission).

Allele frequency attached by ClinVar (database versions not stated): gnomAD 0.00001; gnomAD exomes 0.00001; TOPMed 0.00001; ExAC 0.00002.
gnomAD v4.1: 13 of 1,611,542 alleles (0.00081%); highest among the groups gnomAD compares: Non-Finnish European, 0.0011%; no homozygotes.

Submission:

Labcorp Genetics (formerly Invitae), Labcorp
Classification: Uncertain significance. Last evaluated: 2026-01-27. Review status: criteria provided, single submitter. Criteria: Invitae Variant Classification Sherloc (09022015). Collection method: clinical testing. Allele origin: germline.
Comment: This sequence change affects a donor splice site in intron 9 of the GSN gene. It is expected to disrupt RNA splicing. Variants that disrupt the donor or acceptor splice site typically lead to a loss of protein function (PMID: 16199547), however the current clinical and genetic evidence is not sufficient to establish whether loss-of-function variants in GSN cause disease. This variant is present in population databases (rs113048496, gnomAD 0.002%). This variant has not been reported in the literature in individuals affected with GSN-related conditions. ClinVar contains an entry for this variant (Variation ID: 1904936). Algorithms developed to predict the effect of sequence changes on RNA splicing suggest that this variant may disrupt the consensus splice site. In summary, the available evidence is currently insufficient to determine the role of this variant in disease. Therefore, it has been classified as a Variant of Uncertain Significance.

Literature cited by the submitters: PubMed 16199547.